The following is an entry in ClinVar:

NM_015072.5(TTLL5):c.155del (p.Lys52fs)

Gene: TTLL5 (tubulin tyrosine ligase like 5; plus strand). Cytogenetic location: 14q24.3.
Variant type: Deletion.
Coding change: c.155del on transcript NM_015072.5 (MANE Select); coding-DNA position 155, one base deleted (A; older notation c.155delA).
Protein change: p.Lys52fs; shifts the reading frame from lysine 52.
Molecular consequence: frameshift variant.
Genome position (GRCh38, 1-based): chr14:75,669,496, A deleted; the last of 3 consecutive A bases (chr14:75,669,494-75,669,496); deleting any one gives the same sequence. VCF-style (leftmost placement, unchanged base first): chr14-75669493-CA-C. GRCh37 (hg19) VCF-style: chr14-76135836-CA-C.
Other names: short protein forms K52fs.
Identifiers: ClinVar variation 1921591 (VCV001921591.5), dbSNP rs1883546949, ClinGen allele CA964821699.
Genomic context (GRCh38, chr14:75,669,493, plus strand): 5'-TGTGGACTGGAGGCTGCAGGAGAATTCCAGTTTTGGTATTCCATGCCGACGCTATTCTTA[CA>C]AAGGACAACAATATTAGAGTAATTGGAGGTGCGTATAACCTCTCCCACAGAGGACGGAGC-3'

ClinVar aggregate classification (germline): Pathogenic (1 of 4 stars; one submission).

Submission:

Labcorp Genetics (formerly Invitae), Labcorp
Classification: Pathogenic. Last evaluated: 2022-03-23. Review status: criteria provided, single submitter. Criteria: Invitae Variant Classification Sherloc (09022015). Collection method: clinical testing. Allele origin: germline.
Comment: For these reasons, this variant has been classified as Pathogenic. This variant has not been reported in the literature in individuals affected with TTLL5-related conditions. This variant is not present in population databases (gnomAD no frequency). This sequence change creates a premature translational stop signal (p.Lys52Argfs*7) in the TTLL5 gene. It is expected to result in an absent or disrupted protein product. Loss-of-function variants in TTLL5 are known to be pathogenic (PMID: 24791901, 27162334).

Literature cited by the submitters: PubMed 24791901; PubMed 27162334.